The following is an entry in ClinVar:

ClinVar aggregate classification (germline): Uncertain significance (1 of 4 stars; one submission).

Conditions:
Epidermodysplasia verruciformis. Identifiers: Orphanet 302, MedGen C0014522, MONDO:0009176.

gnomAD v4.1: 34 of 1,613,874 alleles (0.0021%); highest among the groups gnomAD compares: Non-Finnish European, 0.0028%; no homozygotes.

Submission:

Labcorp Genetics (formerly Invitae), Labcorp
Classification: Uncertain significance for Epidermodysplasia verruciformis. Last evaluated: 2022-02-28. Review status: criteria provided, single submitter. Criteria: Invitae Variant Classification Sherloc (09022015). Collection method: clinical testing. Allele origin: germline.
Comment: This sequence change replaces arginine, which is basic and polar, with glycine, which is neutral and non-polar, at codon 459 of the TMC8 protein (p.Arg459Gly). This variant is present in population databases (rs764442700, gnomAD 0.0009%). In summary, the available evidence is currently insufficient to determine the role of this variant in disease. Therefore, it has been classified as a Variant of Uncertain Significance. Algorithms developed to predict the effect of missense changes on protein structure and function (SIFT, PolyPhen-2, Align-GVGD) all suggest that this variant is likely to be tolerated. This variant has not been reported in the literature in individuals affected with TMC8-related conditions.

NM_152468.5(TMC8):c.1375C>G (p.Arg459Gly)

Gene: TMC8 (transmembrane channel like 8; plus strand). Cytogenetic location: 17q25.3.
Variant type: single nucleotide variant.
Coding change: c.1375C>G on transcript NM_152468.5 (MANE Select); coding-DNA position 1375, C replaced by G.
Protein change: p.Arg459Gly; replaces arginine 459 with glycine.
Molecular consequence: missense variant.
Genome position (GRCh38, 1-based): chr17:78,138,030, C>G. VCF-style: chr17-78138030-C-G. GRCh37 (hg19) VCF-style: chr17-76134111-C-G.
Other names: short protein forms R459G.
Identifiers: ClinVar variation 2160786 (VCV002160786.2), dbSNP rs764442700, ClinGen allele CA8796855.